The following is an entry in ClinVar:

ClinVar aggregate classification (germline): Likely benign. Review status: criteria provided, multiple submitters, no conflicts (2 of 4 stars). 2 submissions from 2 submitters: Likely benign (2). Last evaluated 2025-06-18.

Conditions:
Dilated cardiomyopathy 1G (CMD1G). Identifiers: Orphanet 154, MedGen C1858763, MONDO:0011400, OMIM 604145.
Autosomal recessive limb-girdle muscular dystrophy type 2J (LGMDR10). Also called: MUSCULAR DYSTROPHY, LIMB-GIRDLE, AUTOSOMAL RECESSIVE 10; Limb-girdle muscular dystrophy, type 2J. Identifiers: Orphanet 140922, MedGen C1837342, MONDO:0012127, OMIM 608807.

Allele frequency attached by ClinVar (database versions not stated): gnomAD 0.00001.
gnomAD v4.1: 1 of 1,614,004 alleles (0.000062%); highest among the groups gnomAD compares: African/African-American, 0.0013%; no homozygotes.

Submissions (2):

Labcorp Genetics (formerly Invitae), Labcorp
Classification: Likely benign for Dilated cardiomyopathy 1G; Autosomal recessive limb-girdle muscular dystrophy type 2J. Last evaluated: 2025-06-18. Review status: criteria provided, single submitter. Criteria: Invitae Variant Classification Sherloc (09022015). Collection method: clinical testing. Allele origin: germline.

GeneDx
Classification: Likely benign. Last evaluated: 2018-04-25. Review status: criteria provided, single submitter. Criteria: GeneDx Variant Classification (06012015). Collection method: clinical testing. Allele origin: germline. Affected: yes.
Comment: This variant is considered likely benign or benign based on one or more of the following criteria: it is a conservative change, it occurs at a poorly conserved position in the protein, it is predicted to be benign by multiple in silico algorithms, and/or has population frequency not consistent with disease.

NM_001267550.2(TTN):c.6267G>C (p.Val2089=)

Gene: TTN (titin; minus strand). Cytogenetic location: 2q31.2.
Variant type: single nucleotide variant.
Coding change: c.6267G>C on transcript NM_001267550.2 (MANE Select); coding-DNA position 6267, G replaced by C.
Protein change: p.Val2089=; no amino-acid change (valine 2089 retained).
Molecular consequence: synonymous variant.
Genome position (GRCh38, 1-based): chr2:178,775,597, C>G on the plus strand (G>C on the coding strand, the complement: TTN is on the minus strand). VCF-style: chr2-178775597-C-G. GRCh37 (hg19) VCF-style: chr2-179640324-C-G.
Other names: c.6267G>C, p.Val2089= (NM_001256850.1, NM_133378.4, NM_133379.5); c.6129G>C, p.Val2043= (NM_003319.4, NM_133432.3, NM_133437.4).
Identifiers: ClinVar variation 682462 (VCV000682462.6), dbSNP rs1574648084, ClinGen allele CA430280336.